The following is an entry in ClinVar:

ClinVar aggregate classification (germline): Likely pathogenic (1 of 4 stars; one submission).

Conditions:
Hypotrichosis 6 (HYPT6). Also called: HYPOTRICHOSIS, LOCALIZED, AUTOSOMAL RECESSIVE 1; MONILETHRIX-LIKE HYPOTRICHOSIS. Identifiers: Orphanet 55654, MedGen C1842839, MONDO:0011932, OMIM 607903.

Submission:

Institute of Human Genetics, University of Ulm
Classification: Likely pathogenic for Hypotrichosis 6. Last evaluated: 2024-10-15. Review status: criteria provided, single submitter. Criteria: ACMG Guidelines, 2015. Collection method: research. Allele origin: germline. Inheritance: Autosomal dominant inheritance. Affected: yes. Observed: 3 variant alleles, 3 heterozygotes.
Comment: Our internal variant classification follows the established ACMG framework using the PVS, PS, PM, PP, BP, and BS criteria.

NM_177986.5(DSG4):c.1576T>C (p.Phe526Leu)

Genes: DSG4 (desmoglein 4; plus strand), DSG1-AS1 (DSG1 antisense RNA 1; minus strand). Cytogenetic location: 18q12.1.
Variant type: single nucleotide variant.
Coding change: c.1576T>C on transcript NM_177986.5 (MANE Select); coding-DNA position 1576, T replaced by C.
Protein change: p.Phe526Leu; replaces phenylalanine 526 with leucine.
Molecular consequence: missense variant.
Genome position (GRCh38, 1-based): chr18:31,403,574, T>C. VCF-style: chr18-31403574-T-C. GRCh37 (hg19) VCF-style: chr18-28983537-T-C.
Other names: c.1576T>C, p.Phe526Leu (NM_001134453.3); short protein forms F526L.
Identifiers: ClinVar variation 3777044 (VCV003777044.1).